The following is an entry in ClinVar:

NM_016729.3(FOLR1):c.352C>T (p.Gln118Ter)

Genes: FOLR1 (folate receptor alpha; plus strand), FOLR1-AS1 (FOLR1 antisense RNA 1; minus strand). Cytogenetic location: 11q13.4.
Variant type: single nucleotide variant.
Coding change: c.352C>T on transcript NM_016729.3 (MANE Select); coding-DNA position 352, C replaced by T.
Protein change: p.Gln118Ter; replaces glutamine 118 with a stop codon.
Molecular consequence: nonsense.
Genome position (GRCh38, 1-based): chr11:72,195,454, C>T. VCF-style: chr11-72195454-C-T. GRCh37 (hg19) VCF-style: chr11-71906498-C-T.
Other names: c.352C>T, p.Gln118Ter (NM_000802.3, NM_016724.3, NM_016725.3); short protein forms Q118*.
Identifiers: ClinVar variation 16255 (VCV000016255.21), dbSNP rs121918405, ClinGen allele CA126338.
Genomic context (GRCh38, chr11:72,195,454, plus strand): 5'-CGGCATTTCATCCAGGACACCTGCCTCTACGAGTGCTCCCCCAACTTGGGGCCCTGGATC[C>T]AGCAGGTATGCATGGCTTCCTGCAGGTACAAGACCTAGCGGAGCAGCTGAGCTTTCCAGG-3'

ClinVar aggregate classification (germline): Pathogenic. Review status: criteria provided, multiple submitters, no conflicts (2 of 4 stars). 6 submissions from 6 submitters: Pathogenic (5). 1 of the submissions does not count toward it. Last evaluated 2025-11-03.

Conditions:
FOLR1-related disorder. Also called: FOLR1-related condition.
Cerebral folate transport deficiency. Also called: Neurodegenerative syndrome due to cerebral folate transport deficiency; FOLR1-Related Cerebral Folate Transport Deficiency; FOLATE RECEPTOR DEFICIENCY; NEURODEGENERATION DUE TO CEREBRAL FOLATE TRANSPORT DEFICIENCY; Cerebral folate deficiency syndrome. Identifiers: Orphanet 217382, MedGen C2751584, MONDO:0013110, OMIM 613068. Disease mechanism: loss of function.

Allele frequency attached by ClinVar (database versions not stated): gnomAD 0.00001.
gnomAD v4.1: 12 of 1,614,102 alleles (0.00074%); highest among the groups gnomAD compares: Non-Finnish European, 0.001%; no homozygotes.

Submissions (6):

Institute of Human Genetics, University of Leipzig Medical Center
Classification: Pathogenic for Cerebral folate transport deficiency. Last evaluated: 2025-11-03. Review status: criteria provided, single submitter. Criteria: ACMG Guidelines, 2015. Collection method: clinical testing. Allele origin: unknown. Inheritance: Autosomal recessive inheritance. Affected: yes.
Comment: Criteria applied: PVS1,PM2,PM3

Labcorp Genetics (formerly Invitae), Labcorp
Classification: Pathogenic for Cerebral folate transport deficiency. Last evaluated: 2024-05-23. Review status: criteria provided, single submitter. Criteria: Invitae Variant Classification Sherloc (09022015). Collection method: clinical testing. Allele origin: germline.
Comment: This sequence change creates a premature translational stop signal (p.Gln118*) in the FOLR1 gene. It is expected to result in an absent or disrupted protein product. Loss-of-function variants in FOLR1 are known to be pathogenic (PMID: 19732866, 22586289). This variant is present in population databases (rs121918405, gnomAD 0.007%). This premature translational stop signal has been observed in individual(s) with clinical features of cerebral folate deficiency (PMID: 19732866, 20018644). ClinVar contains an entry for this variant (Variation ID: 16255). For these reasons, this variant has been classified as Pathogenic.

Blueprint Genetics
Classification: Pathogenic for FOLR1-related disorders. Last evaluated: 2023-11-03. Review status: criteria provided, single submitter. Criteria: ACMG Guidelines, 2015. Collection method: clinical testing. Allele origin: germline. Affected: yes. Observed: 2 variant alleles.

Genetic Services Laboratory, University of Chicago
Classification: Pathogenic for Neurodegeneration due to cerebral folate transport deficiency. Last evaluated: 2016-08-04. Review status: criteria provided, single submitter. Criteria: ACMG Guidelines, 2015. Collection method: clinical testing. Allele origin: germline. Affected: yes.

Eurofins Ntd Llc (ga)
Classification: Pathogenic. Last evaluated: 2015-11-12. Review status: criteria provided, single submitter. Criteria: EGL Classification Definitions 2015. Collection method: clinical testing. Allele origin: germline. Observed: 3 variant alleles, 3 heterozygotes.

OMIM
Classification: Pathogenic for NEURODEGENERATION DUE TO CEREBRAL FOLATE TRANSPORT DEFICIENCY. Last evaluated: 2009-09-01. Review status: no assertion criteria provided. Collection method: literature only. Allele origin: germline. Not counted in ClinVar's aggregate classification.

Literature cited by the submitters: PubMed 19732866 (cited by Labcorp Genetics (formerly Invitae), Labcorp); PubMed 22586289 (cited by Labcorp Genetics (formerly Invitae), Labcorp); PubMed 20018644 (cited by Labcorp Genetics (formerly Invitae), Labcorp); Steinfeld, R., Grapp, M., Kraetzner, R., Dreha-Kulaczewski, S., Helms, G., Dechent, P., Wevers, R., Grosso, S., Gartner, J. Folate receptor alpha defect causes cerebral folate transport deficiency: a treatable neurodegenerative disorder associated with disturbed myelin metabolism. Am. J. Hum. Genet. 85: 354-363, 2009. (cited by OMIM).